The following is an entry in ClinVar:

ClinVar aggregate classification (germline): Benign (0 of 4 stars; one submission).

Conditions:
STXBP5-related disorder. Also called: STXBP5-related condition.

Allele frequency attached by ClinVar (database versions not stated): 1000 Genomes Project 0.00799; 1000 Genomes Project 30x 0.00843; TOPMed 0.01401; ESP Exome Variant Server 0.01707; ExAC 0.01708; gnomAD 0.01728; gnomAD exomes 0.02149.
gnomAD v4.1: 33,755 of 1,613,386 alleles (2.1%); highest among the groups gnomAD compares: Non-Finnish European, 2.4%; 443 homozygotes.

Submission:

PreventionGenetics, part of Exact Sciences
Classification: Benign for STXBP5-related condition. Last evaluated: 2019-06-07. Review status: no assertion criteria provided. Collection method: clinical testing. Allele origin: germline.
Comment: This variant is classified as benign based on ACMG/AMP sequence variant interpretation guidelines (Richards et al. 2015 PMID: 25741868, with internal and published modifications).

NM_001127715.4(STXBP5):c.3393A>G (p.Ser1131=)

Gene: STXBP5 (syntaxin binding protein 5; plus strand). Cytogenetic location: 6q24.3.
Variant type: single nucleotide variant.
Coding change: c.3393A>G on transcript NM_001127715.4 (MANE Select); coding-DNA position 3393, A replaced by G.
Protein change: p.Ser1131=; no amino-acid change (serine 1131 retained).
Molecular consequence: synonymous variant.
Genome position (GRCh38, 1-based): chr6:147,382,977, A>G. VCF-style: chr6-147382977-A-G. GRCh37 (hg19) VCF-style: chr6-147704113-A-G.
Other names: c.3345A>G, p.Ser1115= (NM_001394409.1); c.3285A>G, p.Ser1095= (NM_139244.6).
Identifiers: ClinVar variation 3041200 (VCV003041200.2), dbSNP rs34677388, ClinGen allele CA4039507.
Genomic context (GRCh38, chr6:147,382,977, plus strand): 5'-AGGGCAGAAACTTGGCGATCTGGAAGAAAGAACTGCGGCCATGTTATCAAGTGCAGAGTC[A>G]TTTTCTAAACATGCTCATGAGGTACGACTCTCAAACAGATATTTGAACAAAAAGCTCTAG-3'
Protein context (NP_001121187.1, residues 1121-1141): RTAAMLSSAE[Ser1131=]FSKHAHEIML